The following is an entry in ClinVar:

NM_000038.6(APC):c.513delinsGA (p.Ser171fs)

Gene: APC (APC regulator of Wnt signaling pathway; plus strand). Cytogenetic location: 5q22.2.
Variant type: Indel.
Coding change: c.513delinsGA on transcript NM_000038.6 (MANE Select); coding-DNA position 513, T replaced by GA.
Protein change: p.Ser171fs; shifts the reading frame from serine 171.
Molecular consequence: frameshift variant. On other transcripts: 5 prime UTR variant (4), non-coding transcript variant (2).
Genome position (GRCh38, 1-based): chr5:112,775,719, T replaced by GA. VCF-style: chr5-112775719-T-GA. GRCh37 (hg19) VCF-style: chr5-112111416-T-GA.
Other names: c.513delinsGA, p.Ser171fs (NM_001127510.3, NM_001354895.2, NM_001354896.2 and 16 more transcripts); c.543delinsGA, p.Ser181fs (NM_001127511.3, NM_001354897.2, NM_001354902.2 and 1 more transcripts); c.438delinsGA, p.Ser146fs (NM_001354898.2, NM_001354904.2, NM_001407451.1); c.336delinsGA, p.Ser112fs (NM_001354900.2, NM_001354901.2, NM_001354905.2 and 1 more transcripts); c.-523delinsGA (NM_001354906.2, NM_001407470.1, NM_001407471.1 and 1 more transcripts); short protein forms S112fs, S146fs, S171fs, S181fs.
Identifiers: ClinVar variation 2584142 (VCV002584142.2), dbSNP rs2532416243, ClinGen allele CA2582341375.

ClinVar aggregate classification (germline): Pathogenic (1 of 4 stars; one submission).

Conditions:
Familial adenomatous polyposis 1 (FAP1). Also called: FAMILIAL ADENOMATOUS POLYPOSIS 1, ATTENUATED; POLYPOSIS, ADENOMATOUS INTESTINAL. Identifiers: MedGen C2713442, MONDO:0021056, OMIM 175100. Disease mechanism: loss of function.

Submission:

Myriad Genetics, Inc.
Classification: Pathogenic for Familial adenomatous polyposis 1. Last evaluated: 2023-04-26. Review status: criteria provided, single submitter. Criteria: Myriad Autosomal Dominant, Autosomal Recessive and X-Linked Classification Criteria (2023). Collection method: clinical testing. Allele origin: unknown.
Comment: This variant is considered pathogenic. This variant creates a frameshift predicted to result in premature protein truncation.